The following is an entry in ClinVar:

ClinVar aggregate classification (germline): Uncertain significance (1 of 4 stars; one submission).

Submission:

Labcorp Genetics (formerly Invitae), Labcorp
Classification: Uncertain significance. Last evaluated: 2024-07-24. Review status: criteria provided, single submitter. Criteria: Invitae Variant Classification Sherloc (09022015). Collection method: clinical testing. Allele origin: germline.
Comment: This sequence change replaces glutamic acid, which is acidic and polar, with aspartic acid, which is acidic and polar, at codon 173 of the TSPAN12 protein (p.Glu173Asp). This variant is not present in population databases (gnomAD no frequency). This variant has not been reported in the literature in individuals affected with TSPAN12-related conditions. Advanced modeling of protein sequence and biophysical properties (such as structural, functional, and spatial information, amino acid conservation, physicochemical variation, residue mobility, and thermodynamic stability) performed at Invitae indicates that this missense variant is not expected to disrupt TSPAN12 protein function with a negative predictive value of 80%. In summary, the available evidence is currently insufficient to determine the role of this variant in disease. Therefore, it has been classified as a Variant of Uncertain Significance.

NM_012338.4(TSPAN12):c.519G>C (p.Glu173Asp)

Gene: TSPAN12 (tetraspanin 12; minus strand). Cytogenetic location: 7q31.31.
Variant type: single nucleotide variant.
Coding change: c.519G>C on transcript NM_012338.4 (MANE Select); coding-DNA position 519, G replaced by C.
Protein change: p.Glu173Asp; replaces glutamic acid 173 with aspartic acid.
Molecular consequence: missense variant.
Genome position (GRCh38, 1-based): chr7:120,806,642, C>G on the plus strand (G>C on the coding strand, the complement: TSPAN12 is on the minus strand). VCF-style: chr7-120806642-C-G. GRCh37 (hg19) VCF-style: chr7-120446696-C-G.
Other names: short protein forms E173D.
Identifiers: ClinVar variation 3660522 (VCV003660522.2).